The following is an entry in ClinVar:

NM_001029883.3(PCARE):c.1219G>A (p.Gly407Ser)

Gene: PCARE (photoreceptor cilium actin regulator; minus strand). Cytogenetic location: 2p23.2.
Variant type: single nucleotide variant.
Coding change: c.1219G>A on transcript NM_001029883.3 (MANE Select); coding-DNA position 1219, G replaced by A.
Protein change: p.Gly407Ser; replaces glycine 407 with serine.
Molecular consequence: missense variant.
Genome position (GRCh38, 1-based): chr2:29,073,043, C>T on the plus strand (G>A on the coding strand, the complement: PCARE is on the minus strand). VCF-style: chr2-29073043-C-T. GRCh37 (hg19) VCF-style: chr2-29295909-C-T.
Other names: c.1219G>A (NM_001029883.2); short protein forms G407S.
Identifiers: ClinVar variation 1141029 (VCV001141029.12), dbSNP rs200472285, ClinGen allele CA1592470.

ClinVar aggregate classification (germline): Benign/Likely benign. Review status: criteria provided, multiple submitters, no conflicts (2 of 4 stars). 4 submissions from 4 submitters: Benign (1); Likely benign (3). Last evaluated 2025-12-24.

Conditions:
PCARE-related disorder. Also called: PCARE-related condition.

Allele frequency attached by ClinVar (database versions not stated): gnomAD 0.00019 and 0.00021; 1000 Genomes Project 0.00020; gnomAD exomes 0.00029 and 0.00015; ExAC 0.00031; TOPMed 0.00035; ESP Exome Variant Server 0.00008; 1000 Genomes Project 30x 0.00016.
gnomAD v4.1: 249 of 1,614,076 alleles (0.015%); highest among the groups gnomAD compares: Admixed American, 0.15%; no homozygotes.

Submissions (4):

Labcorp Genetics (formerly Invitae), Labcorp
Classification: Likely benign. Last evaluated: 2025-12-24. Review status: criteria provided, single submitter. Criteria: Invitae Variant Classification Sherloc (09022015). Collection method: clinical testing. Allele origin: germline.

PreventionGenetics, part of Exact Sciences
Classification: Likely benign for PCARE-related condition. Last evaluated: 2024-10-10. Review status: criteria provided, single submitter. Criteria: ACMG Guidelines, 2015. Collection method: clinical testing. Allele origin: germline.
Comment: This variant is classified as likely benign based on ACMG/AMP sequence variant interpretation guidelines (Richards et al. 2015 PMID: 25741868, with internal and published modifications).

Blueprint Genetics
Classification: Benign. Last evaluated: 2024-05-02. Review status: criteria provided, single submitter. Criteria: ACMG Guidelines, 2015. Collection method: clinical testing. Allele origin: germline.

Breakthrough Genomics
Classification: Likely benign. Review status: criteria provided, single submitter. Criteria: ACMG Guidelines, 2015. Collection method: not provided. Allele origin: germline. Inheritance: Unknown mechanism. Affected: yes.